The following is an entry in ClinVar:

ClinVar aggregate classification (germline): Uncertain significance. Review status: criteria provided, multiple submitters, no conflicts (2 of 4 stars). 2 submissions from 2 submitters: Uncertain significance (2). Last evaluated 2023-12-07.

Conditions:
DYRK1A-related intellectual disability syndrome (MRD7). Also called: Intellectual developmental disorder, autosomal dominant 7; DYRK1A Syndrome. Identifiers: Orphanet 464306, MedGen C5568143, MONDO:0013578, OMIM 614104.

Allele frequency attached by ClinVar (database versions not stated): TOPMed below 0.00001; gnomAD 0.00001.
gnomAD v4.1: 1 of 1,614,120 alleles (0.000062%); highest among the groups gnomAD compares: Admixed American, 0.0017%; no homozygotes.

Submissions (2):

Labcorp Genetics (formerly Invitae), Labcorp
Classification: Uncertain significance for DYRK1A-related intellectual disability syndrome. Last evaluated: 2023-12-07. Review status: criteria provided, single submitter. Criteria: Invitae Variant Classification Sherloc (09022015). Collection method: clinical testing. Allele origin: germline.
Comment: This sequence change replaces threonine, which is neutral and polar, with arginine, which is basic and polar, at codon 726 of the DYRK1A protein (p.Thr726Arg). This variant is present in population databases (no rsID available, gnomAD 0.1%). This variant has not been reported in the literature in individuals affected with DYRK1A-related conditions. ClinVar contains an entry for this variant (Variation ID: 472247). An algorithm developed to predict the effect of missense changes on protein structure and function (PolyPhen-2) suggests that this variant is likely to be disruptive. In summary, the available evidence is currently insufficient to determine the role of this variant in disease. Therefore, it has been classified as a Variant of Uncertain Significance.

Mayo Clinic Laboratories, Mayo Clinic
Classification: Uncertain significance. Last evaluated: 2021-04-06. Review status: criteria provided, single submitter. Criteria: ACMG Guidelines, 2015. Collection method: clinical testing. Allele origin: germline.

NM_001347721.2(DYRK1A):c.2150C>G (p.Thr717Arg)

Gene: DYRK1A (dual specificity tyrosine phosphorylation regulated kinase 1A; plus strand). Cytogenetic location: 21q22.13.
Variant type: single nucleotide variant.
Coding change: c.2150C>G on transcript NM_001347721.2 (MANE Select); coding-DNA position 2150, C replaced by G.
Protein change: p.Thr717Arg; replaces threonine 717 with arginine.
Molecular consequence: missense variant. On other transcripts: 3 prime UTR variant (2).
Genome position (GRCh38, 1-based): chr21:37,512,416, C>G. VCF-style: chr21-37512416-C-G. GRCh37 (hg19) VCF-style: chr21-38884719-C-G.
Other names: p.Thr726Arg; c.2150C>G, p.Thr717Arg (NM_001347722.2, NM_130436.2); c.2063C>G, p.Thr688Arg (NM_001347723.2); c.2177C>G, p.Thr726Arg (NM_001396.5); c.*553C>G (NM_101395.2); c.*462C>G (NM_130438.2); short protein forms T726R, T688R, T717R.
Identifiers: ClinVar variation 472247 (VCV000472247.12), dbSNP rs1317673533, ClinGen allele CA409941316.